The following is an entry in ClinVar:

NM_001363.5(DKC1):c.1066T>C (p.Ser356Pro)

Gene: DKC1 (dyskerin pseudouridine synthase 1; plus strand). Cytogenetic location: Xq28.
Variant type: single nucleotide variant.
Coding change: c.1066T>C on transcript NM_001363.5 (MANE Select); coding-DNA position 1066, T replaced by C.
Protein change: p.Ser356Pro; replaces serine 356 with proline.
Molecular consequence: missense variant. On other transcripts: non-coding transcript variant (3).
Genome position (GRCh38, 1-based): chrX:154,773,160, T>C. VCF-style: chrX-154773160-T-C. GRCh37 (hg19) VCF-style: chrX-154001435-T-C.
Other names: c.1066T>C, p.Ser356Pro (NM_001142463.3, NM_001288747.2); short protein forms S356P.
Identifiers: ClinVar variation 2737450 (VCV002737450.3), dbSNP rs2523700074, ClinGen allele CA414895111.
Genomic context (GRCh38, chrX:154,773,160, plus strand): 5'-AATAATTCTTTTCTTTATTCAATGCCTGTAGCTATTGCATTAATGACCACAGCGGTCATC[T>C]CTACCTGCGACCATGGTATAGTAGCCAAGATCAAGAGAGTGATCATGGAGAGAGACACTT-3'
Protein context (NP_001354.1, residues 346-366): AIALMTTAVI[Ser356Pro]TCDHGIVAKI

ClinVar aggregate classification (germline): Uncertain significance (1 of 4 stars; one submission).

Conditions:
Dyskeratosis congenita. Identifiers: Orphanet 1775, MedGen C0265965, MONDO:0015780.

Submission:

Labcorp Genetics (formerly Invitae), Labcorp
Classification: Uncertain significance for Dyskeratosis congenita. Last evaluated: 2023-01-22. Review status: criteria provided, single submitter. Criteria: Invitae Variant Classification Sherloc (09022015). Collection method: clinical testing. Allele origin: germline.
Comment: This missense change has been observed in individual(s) with dyskeratosis congenita (PMID: 21736606). In summary, the available evidence is currently insufficient to determine the role of this variant in disease. Therefore, it has been classified as a Variant of Uncertain Significance. Advanced modeling of protein sequence and biophysical properties (such as structural, functional, and spatial information, amino acid conservation, physicochemical variation, residue mobility, and thermodynamic stability) performed at Invitae indicates that this missense variant is not expected to disrupt DKC1 protein function. This variant is not present in population databases (gnomAD no frequency). This sequence change replaces serine, which is neutral and polar, with proline, which is neutral and non-polar, at codon 356 of the DKC1 protein (p.Ser356Pro).

Literature cited by the submitters: PubMed 21736606.